The following is an entry in ClinVar:

ClinVar aggregate classification (germline): Uncertain significance (1 of 4 stars; one submission).

gnomAD v4.1: 1 of 1,613,866 alleles (0.000062%); highest among the groups gnomAD compares: African/African-American, 0.0013%; no homozygotes.

Submission:

GeneDx
Classification: Uncertain significance. Last evaluated: 2019-08-27. Review status: criteria provided, single submitter. Criteria: GeneDx Variant Classification Process June 2021. Collection method: clinical testing. Allele origin: germline. Affected: yes.
Comment: Not observed in large population cohorts (Lek et al., 2016); In silico analysis, which includes protein predictors and evolutionary conservation, supports a deleterious effect; Has not been previously published as pathogenic or benign to our knowledge

NM_001365536.1(SCN9A):c.4827C>G (p.Phe1609Leu)

Genes: SCN1A-AS1 (SCN1A and SCN9A antisense RNA 1; plus strand), SCN9A (sodium voltage-gated channel alpha subunit 9; minus strand). Cytogenetic location: 2q24.3.
Variant type: single nucleotide variant.
Coding change: c.4827C>G on transcript NM_001365536.1 (MANE Select); coding-DNA position 4827, C replaced by G.
Protein change: p.Phe1609Leu; replaces phenylalanine 1609 with leucine.
Molecular consequence: missense variant. On other transcripts: non-coding transcript variant (1).
Genome position (GRCh38, 1-based): chr2:166,199,812, G>C on the plus strand (C>G on the coding strand, the complement: SCN9A is on the minus strand). VCF-style: chr2-166199812-G-C. GRCh37 (hg19) VCF-style: chr2-167056322-G-C.
Other names: c.4794C>G, p.Phe1598Leu (NM_002977.4); short protein forms F1598L, F1609L.
Identifiers: ClinVar variation 1302617 (VCV001302617.2), dbSNP rs760606370, ClinGen allele CA349055573.